The following is an entry in ClinVar:

ClinVar aggregate classification (germline): Likely benign (0 of 4 stars; one submission).

Conditions:
PKD1-related disorder. Also called: PKD1-related condition.

Allele frequency attached by ClinVar (database versions not stated): TOPMed below 0.00001; gnomAD 0.00001; gnomAD exomes 0.00001; ExAC 0.00003.
gnomAD v4.1: 18 of 1,596,190 alleles (0.0011%); highest among the groups gnomAD compares: South Asian, 0.019%; no homozygotes.

Submission:

PreventionGenetics, part of Exact Sciences
Classification: Likely benign for PKD1-related condition. Last evaluated: 2023-05-27. Review status: no assertion criteria provided. Collection method: clinical testing. Allele origin: germline.
Comment: This variant is classified as likely benign based on ACMG/AMP sequence variant interpretation guidelines (Richards et al. 2015 PMID: 25741868, with internal and published modifications).

NM_001009944.3(PKD1):c.7839G>A (p.Leu2613=)

Gene: PKD1 (polycystin 1, transient receptor potential channel interacting; minus strand). Cytogenetic location: 16p13.3.
Variant type: single nucleotide variant.
Coding change: c.7839G>A on transcript NM_001009944.3 (MANE Select); coding-DNA position 7839, G replaced by A.
Protein change: p.Leu2613=; no amino-acid change (leucine 2613 retained).
Molecular consequence: synonymous variant.
Genome position (GRCh38, 1-based): chr16:2,105,889, C>T on the plus strand (G>A on the coding strand, the complement: PKD1 is on the minus strand). VCF-style: chr16-2105889-C-T. GRCh37 (hg19) VCF-style: chr16-2155890-C-T.
Other names: c.7839G>A, p.Leu2613= (NM_000296.4).
Identifiers: ClinVar variation 3053897 (VCV003053897.2), dbSNP rs746388021, ClinGen allele CA7830888.
Genomic context (GRCh38, chr16:2,105,889, plus strand): 5'-CAGCAGATGTGACGTCCCCTCCCAGGCTGCACTCACCTCGTTCAGCACGGTGACCAGGGC[C>T]AACGAGTACTCGATGACGTGCTGGGGATCGGCCTGCCGCAGCAGCCCTGGGAGCACACTA-3'
Protein context (NP_001009944.3, residues 2603-2623): ADPQHVIEYS[Leu2613=]ALVTVLNEYE